The following is an entry in ClinVar:

ClinVar aggregate classification (germline): Uncertain significance (1 of 4 stars; one submission).

Conditions:
T-cell immunodeficiency, congenital alopecia, and nail dystrophy. Also called: Congenital alopecia and nail dystrophy associated with severe functional T-cell immunodeficiency; Pignata Guarino syndrome. Identifiers: Orphanet 169095, MedGen C1866426, MONDO:0011132, OMIM 601705.

Allele frequency attached by ClinVar (database versions not stated): gnomAD exomes below 0.00001.
gnomAD v4.1: 2 of 1,613,704 alleles (0.00012%); highest among the groups gnomAD compares: Non-Finnish European, 0.00017%; no homozygotes.

Submission:

Labcorp Genetics (formerly Invitae), Labcorp
Classification: Uncertain significance for T-cell immunodeficiency, congenital alopecia, and nail dystrophy. Last evaluated: 2022-12-03. Review status: criteria provided, single submitter. Criteria: Invitae Variant Classification Sherloc (09022015). Collection method: clinical testing. Allele origin: germline.
Comment: This sequence change replaces glycine, which is neutral and non-polar, with tryptophan, which is neutral and slightly polar, at codon 89 of the FOXN1 protein (p.Gly89Trp). This variant is not present in population databases (gnomAD no frequency). This variant has not been reported in the literature in individuals affected with FOXN1-related conditions. Advanced modeling of protein sequence and biophysical properties (such as structural, functional, and spatial information, amino acid conservation, physicochemical variation, residue mobility, and thermodynamic stability) performed at Invitae indicates that this missense variant is not expected to disrupt FOXN1 protein function. In summary, the available evidence is currently insufficient to determine the role of this variant in disease. Therefore, it has been classified as a Variant of Uncertain Significance.

NM_001369369.1(FOXN1):c.265G>T (p.Gly89Trp)

Gene: FOXN1 (forkhead box N1; plus strand). Cytogenetic location: 17q11.2.
Variant type: single nucleotide variant.
Coding change: c.265G>T on transcript NM_001369369.1 (MANE Select); coding-DNA position 265, G replaced by T.
Protein change: p.Gly89Trp; replaces glycine 89 with tryptophan.
Molecular consequence: missense variant.
Genome position (GRCh38, 1-based): chr17:28,524,644, G>T. VCF-style: chr17-28524644-G-T. GRCh37 (hg19) VCF-style: chr17-26851662-G-T.
Other names: c.265G>T, p.Gly89Trp (NM_003593.3); short protein forms G89W.
Identifiers: ClinVar variation 2818291 (VCV002818291.3), dbSNP rs2508355313, ClinGen allele CA398320979.
Genomic context (GRCh38, chr17:28,524,644, plus strand): 5'-CGCATTGCGTCACCAGGGCCCGAGCAAGTCCAGGGCCACTGCCCAGCCGGCCCCGGCCCT[G>T]GGCCCTTCAGGCTCTCACCCTCAGACAAGTATCCTGGCTTTGGCTTTGAGGAGGCCGCAG-3'
Protein context (NP_001356298.1, residues 79-99): QGHCPAGPGP[Gly89Trp]PFRLSPSDKY